The following is an entry in ClinVar:

ClinVar aggregate classification (germline): Uncertain significance. Review status: criteria provided, multiple submitters, no conflicts (2 of 4 stars). 2 submissions from 2 submitters: Uncertain significance (2). Last evaluated 2022-09-17.

Allele frequency attached by ClinVar (database versions not stated): gnomAD 0.00001; gnomAD exomes 0.00001; ExAC 0.00003.
gnomAD v4.1: 41 of 1,608,122 alleles (0.0025%); highest among the groups gnomAD compares: African/African-American, 0.004%; no homozygotes.

Submissions (2):

Labcorp Genetics (formerly Invitae), Labcorp
Classification: Uncertain significance. Last evaluated: 2022-09-17. Review status: criteria provided, single submitter. Criteria: Invitae Variant Classification Sherloc (09022015). Collection method: clinical testing. Allele origin: germline.
Comment: This sequence change replaces arginine, which is basic and polar, with glutamine, which is neutral and polar, at codon 51 of the PCDH15 protein (p.Arg51Gln). This variant is present in population databases (rs774448079, gnomAD 0.006%). This variant has not been reported in the literature in individuals affected with PCDH15-related conditions. Advanced modeling of protein sequence and biophysical properties (such as structural, functional, and spatial information, amino acid conservation, physicochemical variation, residue mobility, and thermodynamic stability) performed at Invitae indicates that this missense variant is not expected to disrupt PCDH15 protein function. In summary, the available evidence is currently insufficient to determine the role of this variant in disease. Therefore, it has been classified as a Variant of Uncertain Significance.

GeneDx
Classification: Uncertain significance. Last evaluated: 2022-02-15. Review status: criteria provided, single submitter. Criteria: GeneDx Variant Classification Process June 2021. Collection method: clinical testing. Allele origin: germline. Affected: yes.
Comment: Not observed at significant frequency in large population cohorts (gnomAD); In silico analysis supports that this missense variant does not alter protein structure/function; Has not been previously published as pathogenic or benign to our knowledge

NM_001384140.1(PCDH15):c.152G>A (p.Arg51Gln)

Genes: PCDH15 (protocadherin related 15; minus strand), LOC105378311 (uncharacterized LOC105378311; plus strand). Cytogenetic location: 10q21.1.
Variant type: single nucleotide variant.
Coding change: c.152G>A on transcript NM_001384140.1 (MANE Select); coding-DNA position 152, G replaced by A.
Protein change: p.Arg51Gln; replaces arginine 51 with glutamine.
Molecular consequence: missense variant. On other transcripts: intron variant (3).
Genome position (GRCh38, 1-based): chr10:54,527,817, C>T on the plus strand (G>A on the coding strand, the complement: PCDH15 is on the minus strand). VCF-style: chr10-54527817-C-T. GRCh37 (hg19) VCF-style: chr10-56287577-C-T.
Other names: c.167G>A, p.Arg56Gln (NM_001142763.2, NM_001142769.4, NM_001142771.2); c.152G>A, p.Arg51Gln (NM_001142764.2, NM_001142765.2, NM_001142766.2 and 8 more transcripts); c.91+136355G>A (NM_001354404.2, NM_001142773.2, NM_001142768.2); short protein forms R51Q, R56Q.
Identifiers: ClinVar variation 1700995 (VCV001700995.4), dbSNP rs774448079, ClinGen allele CA5506786.